The following is an entry in ClinVar:

NM_006005.3(WFS1):c.1230C>T (p.Leu410=)

Gene: WFS1 (wolframin ER transmembrane glycoprotein; plus strand). Cytogenetic location: 4p16.1.
Variant type: single nucleotide variant.
Coding change: c.1230C>T on transcript NM_006005.3 (MANE Select); coding-DNA position 1230, C replaced by T.
Protein change: p.Leu410=; no amino-acid change (leucine 410 retained).
Molecular consequence: synonymous variant.
Genome position (GRCh38, 1-based): chr4:6,301,025, C>T. VCF-style: chr4-6301025-C-T. GRCh37 (hg19) VCF-style: chr4-6302752-C-T.
Other names: c.1230C>T, p.Leu410= (NM_001145853.1).
Identifiers: ClinVar variation 2065040 (VCV002065040.28), dbSNP rs1005853401, ClinGen allele CA2839273.

ClinVar aggregate classification (germline): Likely benign. Review status: criteria provided, multiple submitters, no conflicts (2 of 4 stars). 2 submissions from 2 submitters: Likely benign (2). Last evaluated 2025-03-30.

gnomAD v4.1: 10 of 1,614,098 alleles (0.00062%); highest among the groups gnomAD compares: Admixed American, 0.005%; no homozygotes.

Submissions (2):

Labcorp Genetics (formerly Invitae), Labcorp
Classification: Likely benign. Last evaluated: 2025-03-30. Review status: criteria provided, single submitter. Criteria: Invitae Variant Classification Sherloc (09022015). Collection method: clinical testing. Allele origin: germline.

CeGaT Center for Human Genetics Tuebingen
Classification: Likely benign. Last evaluated: 2023-03-01. Review status: criteria provided, single submitter. Criteria: CeGaT Center For Human Genetics Tuebingen Variant Classification Criteria Version 2. Collection method: clinical testing. Allele origin: germline. Affected: yes. Observed: 1 variant allele.
Comment: WFS1: BP4, BP7